The following is an entry in ClinVar:

NM_001282933.2(ZNF341):c.1622+1G>A

Gene: ZNF341 (zinc finger protein 341; plus strand). Cytogenetic location: 20q11.22.
Variant type: single nucleotide variant.
Coding change: c.1622+1G>A on transcript NM_001282933.2 (MANE Select); the canonical splice donor site of the intron after coding-DNA position 1622, G replaced by A.
Molecular consequence: splice donor variant.
Genome position (GRCh38, 1-based): chr20:33,770,293, G>A. VCF-style: chr20-33770293-G-A. GRCh37 (hg19) VCF-style: chr20-32358099-G-A.
Other names: c.1601+1G>A (NM_032819.5); c.1352+1G>A (NM_001282935.2).
Identifiers: ClinVar variation 1678042 (VCV001678042.6), dbSNP rs1461028276, ClinGen allele CA408658726.
Genomic context (GRCh38, chr20:33,770,293, plus strand): 5'-CCAGTACTCCCACAGCCTCCTGCCACAGCACAGCCCCAAGAAGGACAATGCCGTCTACAA[G>A]TAAGTGCCTCCTGCTTCCCTCTCCCTGGGTGGACGGGTGGGTGGGCAGGGAGCCCAGGGC-3'

ClinVar aggregate classification (germline): Likely pathogenic. Review status: criteria provided, multiple submitters, no conflicts (2 of 4 stars). 2 submissions from 2 submitters: Likely pathogenic (2). Last evaluated 2022-07-06.

Allele frequency attached by ClinVar (database versions not stated): gnomAD exomes below 0.00001.
gnomAD v4.1: 2 of 1,329,468 alleles (0.00015%); highest among the groups gnomAD compares: Non-Finnish European, 0.0002%; no homozygotes.

Submissions (2):

Labcorp Genetics (formerly Invitae), Labcorp
Classification: Likely pathogenic. Last evaluated: 2022-07-06. Review status: criteria provided, single submitter. Criteria: Invitae Variant Classification Sherloc (09022015). Collection method: clinical testing. Allele origin: germline.
Comment: In summary, the currently available evidence indicates that the variant is pathogenic, but additional data are needed to prove that conclusively. Therefore, this variant has been classified as Likely Pathogenic. Algorithms developed to predict the effect of sequence changes on RNA splicing suggest that this variant may disrupt the consensus splice site. ClinVar contains an entry for this variant (Variation ID: 1678042). This variant has not been reported in the literature in individuals affected with ZNF341-related conditions. This variant is not present in population databases (gnomAD no frequency). This sequence change affects a donor splice site in intron 10 of the ZNF341 gene. It is expected to disrupt RNA splicing. Variants that disrupt the donor or acceptor splice site typically lead to a loss of protein function (PMID: 16199547), and loss-of-function variants in ZNF341 are known to be pathogenic (PMID: 29907690, 29907691).

AiLife Diagnostics
Classification: Likely pathogenic. Last evaluated: 2022-03-17. Review status: criteria provided, single submitter. Criteria: ACMG Guidelines, 2015. Collection method: clinical testing. Allele origin: germline. Affected: yes. Observed: 1 variant allele.

Literature cited by the submitters: PubMed 16199547 (cited by Labcorp Genetics (formerly Invitae), Labcorp); PubMed 29907690 (cited by Labcorp Genetics (formerly Invitae), Labcorp); PubMed 29907691 (cited by Labcorp Genetics (formerly Invitae), Labcorp).